The following is an entry in ClinVar:

ClinVar aggregate classification (germline): Conflicting classifications of pathogenicity. Review status: criteria provided, conflicting classifications (1 of 4 stars). 4 submissions from 4 submitters: Uncertain significance (3); Likely benign (1). Last evaluated 2025-08-11.

Conditions:
Hereditary cancer-predisposing syndrome. Also called: Tumor predisposition; Hereditary Cancer Syndrome; Neoplastic Syndromes, Hereditary; Hereditary neoplastic syndrome. Identifiers: Orphanet 140162, MedGen C0027672, MeSH D009386, MONDO:0015356.
Hereditary breast ovarian cancer syndrome. Also called: Hereditary breast and ovarian cancer; Breast and ovarian cancer; Hereditary breast and/or ovarian cancer syndrome; Hereditary breast and ovarian cancer syndrome; BRCA1- and BRCA2-Associated Hereditary Breast and Ovarian Cancer; Hereditary breast and ovarian cancer syndrome (HBOC). Identifiers: Orphanet 145, MedGen C0677776, MeSH D061325, MONDO:0003582. Disease mechanism: loss of function.

Submissions (4):

Labcorp Genetics (formerly Invitae), Labcorp
Classification: Uncertain significance for Hereditary breast ovarian cancer syndrome. Last evaluated: 2025-08-11. Review status: criteria provided, single submitter. Criteria: Invitae Variant Classification Sherloc (09022015). Collection method: clinical testing. Allele origin: germline.
Comment: This sequence change replaces asparagine, which is neutral and polar, with lysine, which is basic and polar, at codon 1014 of the BRCA2 protein (p.Asn1014Lys). This variant is not present in population databases (gnomAD no frequency). This variant has not been reported in the literature in individuals affected with BRCA2-related conditions. ClinVar contains an entry for this variant (Variation ID: 822713). Invitae Evidence Modeling of protein sequence and biophysical properties (such as structural, functional, and spatial information, amino acid conservation, physicochemical variation, residue mobility, and thermodynamic stability) indicates that this missense variant is not expected to disrupt BRCA2 protein function with a negative predictive value of 95%. In summary, the available evidence is currently insufficient to determine the role of this variant in disease. Therefore, it has been classified as a Variant of Uncertain Significance.

Ambry Genetics
Classification: Uncertain significance for Hereditary cancer-predisposing syndrome. Last evaluated: 2024-07-05. Review status: criteria provided, single submitter. Criteria: Ambry Variant Classification Scheme 2023. Collection method: clinical testing. Allele origin: germline.
Comment: The p.N1014K variant (also known as c.3042T>G), located in coding exon 10 of the BRCA2 gene, results from a T to G substitution at nucleotide position 3042. The asparagine at codon 1014 is replaced by lysine, an amino acid with similar properties. This amino acid position is highly conserved in available vertebrate species. In addition, the in silico prediction for this alteration is inconclusive. Since supporting evidence is limited at this time, the clinical significance of this alteration remains unclear.

Color Diagnostics, LLC DBA Color Health
Classification: Uncertain significance for Hereditary cancer-predisposing syndrome. Last evaluated: 2024-03-06. Review status: criteria provided, single submitter. Criteria: ACMG Guidelines, 2015. Collection method: clinical testing. Allele origin: germline.
Comment: This missense variant replaces asparagine with lysine at codon 1014 of the BRCA2 protein. Computational prediction is inconclusive regarding the impact of this variant on protein structure and function (internally defined REVEL score threshold 0.5 < inconclusive < 0.7, PMID: 27666373). To our knowledge, functional studies have not been reported for this variant. This variant has not been reported in individuals affected with hereditary cancer in the literature. This variant has not been identified in the general population by the Genome Aggregation Database (gnomAD). The available evidence is insufficient to determine the role of this variant in disease conclusively. Therefore, this variant is classified as a Variant of Uncertain Significance.

University of Washington Department of Laboratory Medicine, University of Washington
Classification: Likely benign for Hereditary cancer-predisposing syndrome. Last evaluated: 2023-03-23. Review status: criteria provided, single submitter. Criteria: Dines et al. (Genet Med. 2020). Collection method: curation. Allele origin: germline.
Comment: Missense variant in a coldspot region where missense variants are very unlikely to be pathogenic (PMID:31911673).

BRCA2 exon 11 coldspot. Reclassification based on statistical prior probability.

NM_000059.4(BRCA2):c.3042T>G (p.Asn1014Lys)

Gene: BRCA2 (BRCA2 DNA repair associated; plus strand). Cytogenetic location: 13q13.1.
Variant type: single nucleotide variant.
Coding change: c.3042T>G on transcript NM_000059.4 (MANE Select); coding-DNA position 3042, T replaced by G.
Protein change: p.Asn1014Lys; replaces asparagine 1014 with lysine.
Molecular consequence: missense variant.
Genome position (GRCh38, 1-based): chr13:32,337,397, T>G. VCF-style: chr13-32337397-T-G. GRCh37 (hg19) VCF-style: chr13-32911534-T-G.
Other names: short protein forms N1014K.
Identifiers: ClinVar variation 822713 (VCV000822713.15), dbSNP rs1593898407, ClinGen allele CA387775001.